The following is an entry in ClinVar:

ClinVar aggregate classification (germline): Pathogenic (1 of 4 stars; one submission).

Conditions:
Familial adenomatous polyposis 4 (FAP4). Also called: MSH3-related attenuated familial adenomatous polyposis. Identifiers: Orphanet 480536, MedGen C4310719, MONDO:0044300, OMIM 617100.

Submission:

Myriad Genetics, Inc.
Classification: Pathogenic for Familial adenomatous polyposis 4. Last evaluated: 2025-08-06. Review status: criteria provided, single submitter. Criteria: Myriad Autosomal Dominant, Autosomal Recessive and X-Linked Classification Criteria (2023). Collection method: clinical testing. Allele origin: unknown.
Comment: This variant is considered pathogenic. This variant creates a frameshift predicted to result in premature protein truncation.

NM_002439.5(MSH3):c.2933del (p.Gly978fs)

Gene: MSH3 (mutS homolog 3; plus strand). Cytogenetic location: 5q14.1.
Variant type: Deletion.
Coding change: c.2933del on transcript NM_002439.5 (MANE Select); coding-DNA position 2933, one base deleted (G; older notation c.2933delG).
Protein change: p.Gly978fs; shifts the reading frame from glycine 978.
Molecular consequence: frameshift variant.
Genome position (GRCh38, 1-based): chr5:80,854,249, G deleted; the last of 2 consecutive G bases (chr5:80,854,248-80,854,249); deleting either gives the same sequence. VCF-style (leftmost placement, unchanged base first): chr5-80854247-AG-A. GRCh37 (hg19) VCF-style: chr5-80150066-AG-A.
Other names: short protein forms G978fs.
Identifiers: ClinVar variation 4294245 (VCV004294245.1).